The following is an entry in ClinVar:

ClinVar aggregate classification (germline): Uncertain significance (1 of 4 stars; one submission).

Allele frequency attached by ClinVar (database versions not stated): TOPMed below 0.00001; gnomAD 0.00001.

Submission:

Labcorp Genetics (formerly Invitae), Labcorp
Classification: Uncertain significance. Last evaluated: 2024-11-04. Review status: criteria provided, single submitter. Criteria: Invitae Variant Classification Sherloc (09022015). Collection method: clinical testing. Allele origin: germline.
Comment: This sequence change replaces aspartic acid, which is acidic and polar, with glycine, which is neutral and non-polar, at codon 165 of the DHX38 protein (p.Asp165Gly). This variant is not present in population databases (gnomAD no frequency). This variant has not been reported in the literature in individuals affected with DHX38-related conditions. ClinVar contains an entry for this variant (Variation ID: 1473697). An algorithm developed to predict the effect of missense changes on protein structure and function (PolyPhen-2) suggests that this variant is likely to be tolerated. In summary, the available evidence is currently insufficient to determine the role of this variant in disease. Therefore, it has been classified as a Variant of Uncertain Significance.

NM_014003.4(DHX38):c.494A>G (p.Asp165Gly)

Gene: DHX38 (DEAH-box helicase 38; plus strand). Cytogenetic location: 16q22.2.
Variant type: single nucleotide variant.
Coding change: c.494A>G on transcript NM_014003.4 (MANE Select); coding-DNA position 494, A replaced by G.
Protein change: p.Asp165Gly; replaces aspartic acid 165 with glycine.
Molecular consequence: missense variant.
Genome position (GRCh38, 1-based): chr16:72,096,992, A>G. VCF-style: chr16-72096992-A-G. GRCh37 (hg19) VCF-style: chr16-72130891-A-G.
Other names: short protein forms D165G.
Identifiers: ClinVar variation 1473697 (VCV001473697.8), dbSNP rs1473799808, ClinGen allele CA396701368.